The following is an entry in ClinVar:

ClinVar aggregate classification (germline): Uncertain significance. Review status: criteria provided, multiple submitters, no conflicts (2 of 4 stars). 4 submissions from 4 submitters: Uncertain significance (4). Last evaluated 2026-08-01.

Conditions:
IMPG2-related disorder. Also called: IMPG2-related condition.
Inborn genetic diseases. Identifiers: MedGen C0950123, MeSH D030342.

Allele frequency attached by ClinVar (database versions not stated): ExAC 0.00001; gnomAD exomes 0.00001; gnomAD 0.00004; TOPMed 0.00004.
gnomAD v4.1: 28 of 1,614,026 alleles (0.0017%); highest among the groups gnomAD compares: Middle Eastern, 0.016%; no homozygotes.

Submissions (4):

PreventionGenetics, part of Exact Sciences
Classification: Uncertain significance for IMPG2-related condition. Last evaluated: 2026-08-01. Review status: criteria provided, single submitter. Criteria: ACMG Guidelines, 2015. Collection method: clinical testing. Allele origin: germline.
Comment: The IMPG2 c.1412G>A variant is predicted to result in the amino acid substitution p.Gly471Asp. To our knowledge, this variant has not been reported in the literature. This variant is reported in 0.0031% of alleles in individuals of European (Non-Finnish) descent in gnomAD. At this time, the clinical significance of this variant is uncertain due to the absence of conclusive functional and genetic evidence.

Ambry Genetics
Classification: Uncertain significance for Inborn genetic diseases. Last evaluated: 2025-02-08. Review status: criteria provided, single submitter. Criteria: Ambry Variant Classification Scheme 2023. Collection method: clinical testing. Allele origin: germline.

Blueprint Genetics
Classification: Uncertain significance. Last evaluated: 2024-04-26. Review status: criteria provided, single submitter. Criteria: ACMG Guidelines, 2015. Collection method: clinical testing. Allele origin: germline.

Labcorp Genetics (formerly Invitae), Labcorp
Classification: Uncertain significance. Last evaluated: 2023-05-08. Review status: criteria provided, single submitter. Criteria: Invitae Variant Classification Sherloc (09022015). Collection method: clinical testing. Allele origin: germline.
Comment: In summary, the available evidence is currently insufficient to determine the role of this variant in disease. Therefore, it has been classified as a Variant of Uncertain Significance. Advanced modeling of protein sequence and biophysical properties (such as structural, functional, and spatial information, amino acid conservation, physicochemical variation, residue mobility, and thermodynamic stability) performed at Invitae indicates that this missense variant is not expected to disrupt IMPG2 protein function. ClinVar contains an entry for this variant (Variation ID: 1412637). This variant has not been reported in the literature in individuals affected with IMPG2-related conditions. This variant is present in population databases (rs772942479, gnomAD 0.003%). This sequence change replaces glycine, which is neutral and non-polar, with aspartic acid, which is acidic and polar, at codon 471 of the IMPG2 protein (p.Gly471Asp).

NM_016247.4(IMPG2):c.1412G>A (p.Gly471Asp)

Gene: IMPG2 (interphotoreceptor matrix proteoglycan 2; minus strand). Cytogenetic location: 3q12.3.
Variant type: single nucleotide variant.
Coding change: c.1412G>A on transcript NM_016247.4 (MANE Select); coding-DNA position 1412, G replaced by A.
Protein change: p.Gly471Asp; replaces glycine 471 with aspartic acid.
Molecular consequence: missense variant.
Genome position (GRCh38, 1-based): chr3:101,245,933, C>T on the plus strand (G>A on the coding strand, the complement: IMPG2 is on the minus strand). VCF-style: chr3-101245933-C-T. GRCh37 (hg19) VCF-style: chr3-100964777-C-T.
Other names: c.1412G>A (NM_016247.3); short protein forms G471D.
Identifiers: ClinVar variation 1412637 (VCV001412637.8), dbSNP rs772942479, ClinGen allele CA2519167.